The following is an entry in ClinVar:

ClinVar aggregate classification (germline): Benign/Likely benign. Review status: criteria provided, multiple submitters, no conflicts (2 of 4 stars). 10 submissions from 10 submitters: Benign (3); Likely benign (6). 1 of the submissions does not count toward it. Last evaluated 2025-12-29.

Conditions:
TSC1-related disorder. Also called: TSC1-related condition.
Tuberous sclerosis 1 (TSC1). Identifiers: Orphanet 805, MedGen C1854465, MONDO:0008612, OMIM 191100.
Tuberous sclerosis syndrome (TSC). Also called: Tuberous Sclerosis Complex; Tuberous sclerosis. Identifiers: Orphanet 805, MedGen C0041341, MONDO:0001734.
Hereditary cancer-predisposing syndrome. Also called: Hereditary neoplastic syndrome; Tumor predisposition; Neoplastic Syndromes, Hereditary; Hereditary Cancer Syndrome. Identifiers: Orphanet 140162, MedGen C0027672, MeSH D009386, MONDO:0015356.

Allele frequency attached by ClinVar (database versions not stated): TOPMed 0.00001; ExAC 0.00002; gnomAD 0.00002; gnomAD exomes 0.00002.
gnomAD v4.1: 48 of 1,613,914 alleles (0.003%); highest among the groups gnomAD compares: Non-Finnish European, 0.0039%; no homozygotes.

Submissions (10):

Labcorp Genetics (formerly Invitae), Labcorp
Classification: Benign for Tuberous sclerosis 1. Last evaluated: 2025-12-29. Review status: criteria provided, single submitter. Criteria: Invitae Variant Classification Sherloc (09022015). Collection method: clinical testing. Allele origin: germline.

CeGaT Center for Human Genetics Tuebingen
Classification: Likely benign. Last evaluated: 2025-12-01. Review status: criteria provided, single submitter. Criteria: CeGaT Center For Human Genetics Tuebingen Variant Classification Criteria Version 2. Collection method: clinical testing. Allele origin: germline. Affected: yes. Observed: 1 variant allele.
Comment: TSC1: BP4, BP7

Myriad Genetics, Inc.
Classification: Benign for Tuberous sclerosis 1. Last evaluated: 2025-04-25. Review status: criteria provided, single submitter. Criteria: Myriad Autosomal Dominant, Autosomal Recessive and X-Linked Classification Criteria (2023). Collection method: clinical testing. Allele origin: unknown.
Comment: This variant is considered benign. This variant is a silent/synonymous amino acid change and it is not expected to impact splicing.

All of Us Research Program, National Institutes of Health
Classification: Likely benign for Tuberous sclerosis syndrome. Last evaluated: 2023-12-18. Review status: criteria provided, single submitter. Criteria: ACMG Guidelines, 2015. Collection method: clinical testing. Allele origin: germline. Inheritance: Autosomal dominant inheritance. Observed: 17 variant alleles, 17 heterozygotes.
Comment: This study involves interpretation of variants in research participants for the purpose of population health screening. Participant phenotype was not available at the time of variant classification. Additional details can be found in publication PMID: 35346344, PMCID: PMC8962531

Color Diagnostics, LLC DBA Color Health
Classification: Likely benign for Tuberous sclerosis syndrome. Last evaluated: 2022-09-20. Review status: criteria provided, single submitter. Criteria: ACMG Guidelines, 2015. Collection method: clinical testing. Allele origin: germline.

Genome-Nilou Lab
Classification: Benign for Tuberous sclerosis 1. Last evaluated: 2021-11-07. Review status: criteria provided, single submitter. Criteria: ACMG Guidelines, 2015. Collection method: clinical testing. Allele origin: germline. Affected: no.

GeneDx
Classification: Likely benign. Last evaluated: 2020-03-07. Review status: criteria provided, single submitter. Criteria: GeneDx Variant Classification Process June 2021. Collection method: clinical testing. Allele origin: germline. Affected: yes.

Blueprint Genetics
Classification: Likely benign. Last evaluated: 2020-02-26. Review status: criteria provided, single submitter. Criteria: ACMG Guidelines, 2015. Collection method: clinical testing. Allele origin: germline.

Ambry Genetics
Classification: Likely benign for Hereditary cancer-predisposing syndrome. Last evaluated: 2019-02-05. Review status: criteria provided, single submitter. Criteria: Ambry Variant Classification Scheme 2023. Collection method: clinical testing. Allele origin: germline.

PreventionGenetics, part of Exact Sciences
Classification: Likely benign for TSC1-related condition. Last evaluated: 2023-04-05. Review status: no assertion criteria provided. Collection method: clinical testing. Allele origin: germline. Not counted in ClinVar's aggregate classification.
Comment: This variant is classified as likely benign based on ACMG/AMP sequence variant interpretation guidelines (Richards et al. 2015 PMID: 25741868, with internal and published modifications).

NM_000368.5(TSC1):c.2424G>A (p.Ala808=)

Gene: TSC1 (TSC complex subunit 1; minus strand). Cytogenetic location: 9q34.13.
Variant type: single nucleotide variant.
Coding change: c.2424G>A on transcript NM_000368.5 (MANE Select); coding-DNA position 2424, G replaced by A.
Protein change: p.Ala808=; no amino-acid change (alanine 808 retained).
Molecular consequence: synonymous variant.
Genome position (GRCh38, 1-based): chr9:132,901,667, C>T on the plus strand (G>A on the coding strand, the complement: TSC1 is on the minus strand). VCF-style: chr9-132901667-C-T. GRCh37 (hg19) VCF-style: chr9-135777054-C-T.
Other names: c.2421G>A, p.Ala807= (NM_001162426.2); c.2271G>A, p.Ala757= (NM_001162427.2); c.2061G>A, p.Ala687= (NM_001362177.2).
Identifiers: ClinVar variation 466080 (VCV000466080.30), dbSNP rs200651872, ClinGen allele CA032646.